The following is an entry in ClinVar:

ClinVar aggregate classification (germline): Uncertain significance (1 of 4 stars; one submission).

Conditions:
Congenital hyperammonemia, type I. Also called: CPS I DEFICIENCY; Carbamoyl phosphate synthetase 1 deficiency; Hyperammonemia due to carbamoyl phosphate synthetase 1 deficiency; CPS 1 deficiency; Carbamyl phosphate synthetase (CPS) deficiency; Carbamoyl-phosphate synthase I deficiency. Identifiers: Orphanet 147, MedGen C4082171, MONDO:0009376, OMIM 237300.

Submission:

Labcorp Genetics (formerly Invitae), Labcorp
Classification: Uncertain significance for Congenital hyperammonemia, type I. Last evaluated: 2019-11-26. Review status: criteria provided, single submitter. Criteria: Invitae Variant Classification Sherloc (09022015). Collection method: clinical testing. Allele origin: germline.
Comment: This variant is a gross deletion of the genomic region encompassing exons 31-38 of the CPS1 gene. The 5' boundary is likely confined to intron 30. The 3' end of this event is unknown as it extends through the termination codon beyond the assayed region for this gene and may encompass additional genes. While this deletion is not anticipated to result in nonsense mediated decay, it is expected to create a truncated protein product or disrupt mRNA translation. This variant has not been reported in the literature in individuals with CPS1-related conditions. Experimental studies and prediction algorithms are not available or were not evaluated, and the functional significance of this variant is currently unknown. In summary, the available evidence is currently insufficient to determine the role of this variant in disease. Therefore, it has been classified as a Variant of Uncertain Significance.

NC_000002.12:g.(?_210658579)_(210678005_?)del

Gene: CPS1 (carbamoyl-phosphate synthase 1; plus strand). Cytogenetic location: 2q34.
Variant type: Deletion.
Identifiers: ClinVar variation 831285 (VCV000831285.2).